The following is an entry in ClinVar:

ClinVar aggregate classification (germline): Uncertain significance. Review status: criteria provided, multiple submitters, no conflicts (2 of 4 stars). 2 submissions from 2 submitters: Uncertain significance (2). Last evaluated 2025-12-08.

Conditions:
Inborn genetic diseases. Identifiers: MedGen C0950123, MeSH D030342.

Allele frequency attached by ClinVar (database versions not stated): ExAC 0.00001; gnomAD exomes 0.00001; gnomAD 0.00003 and 0.00004; TOPMed 0.00006; ESP Exome Variant Server 0.00015.
gnomAD v4.1: 13 of 1,613,784 alleles (0.00081%); highest among the groups gnomAD compares: African/African-American, 0.016%; no homozygotes.

Submissions (2):

Labcorp Genetics (formerly Invitae), Labcorp
Classification: Uncertain significance. Last evaluated: 2025-12-08. Review status: criteria provided, single submitter. Criteria: Invitae Variant Classification Sherloc (09022015). Collection method: clinical testing. Allele origin: germline.
Comment: This sequence change replaces serine, which is neutral and polar, with arginine, which is basic and polar, at codon 257 of the DNM1L protein (p.Ser257Arg). This variant is present in population databases (rs143502160, gnomAD 0.01%). This variant has not been reported in the literature in individuals affected with DNM1L-related conditions. ClinVar contains an entry for this variant (Variation ID: 1418508). An algorithm developed to predict the effect of missense changes on protein structure and function (PolyPhen-2) suggests that this variant is likely to be tolerated. In summary, the available evidence is currently insufficient to determine the role of this variant in disease. Therefore, it has been classified as a Variant of Uncertain Significance.

Ambry Genetics
Classification: Uncertain significance for Inborn genetic diseases. Last evaluated: 2025-09-28. Review status: criteria provided, single submitter. Criteria: Ambry Variant Classification Scheme 2023. Collection method: clinical testing. Allele origin: germline.

NM_012062.5(DNM1L):c.769A>C (p.Ser257Arg)

Gene: DNM1L (dynamin 1 like; plus strand). Cytogenetic location: 12p11.21.
Variant type: single nucleotide variant.
Coding change: c.769A>C on transcript NM_012062.5 (MANE Select); coding-DNA position 769, A replaced by C.
Protein change: p.Ser257Arg; replaces serine 257 with arginine.
Molecular consequence: missense variant.
Genome position (GRCh38, 1-based): chr12:32,720,692, A>C. VCF-style: chr12-32720692-A-C. GRCh37 (hg19) VCF-style: chr12-32873626-A-C.
Other names: c.769A>C (NM_012062.3); c.769A>C, p.Ser257Arg (NM_001278463.2, NM_005690.5, NM_012063.4); c.808A>C, p.Ser270Arg (NM_001278464.2, NM_001278465.2, NM_001330380.2); c.160A>C, p.Ser54Arg (NM_001278466.2); short protein forms S257R, S54R, S270R.
Identifiers: ClinVar variation 1418508 (VCV001418508.9), dbSNP rs143502160, ClinGen allele CA6507412.
Genomic context (GRCh38, chr12:32,720,692, plus strand): 5'-GCTGAATAGTTTCGTTATTTTTTCAACCTCAGGAGCCAGCTAGATATTAACAACAAGAAG[A>C]GTGTAACTGATTCAATCCGTGATGAGTATGCTTTTCTTCAAAAGAAATATCCATCTCTGG-3'
Protein context (NP_036192.2, residues 247-267): RSQLDINNKK[Ser257Arg]VTDSIRDEYA